The following is an entry in ClinVar:

NM_001370466.1(NOD2):c.1253del (p.Lys418fs)

Gene: NOD2 (nucleotide binding oligomerization domain containing 2; plus strand). Cytogenetic location: 16q12.1.
Variant type: Deletion.
Coding change: c.1253del on transcript NM_001370466.1 (MANE Select); coding-DNA position 1253, one base deleted (A; older notation c.1253delA).
Protein change: p.Lys418fs; shifts the reading frame from lysine 418.
Molecular consequence: frameshift variant. On other transcripts: non-coding transcript variant (1).
Genome position (GRCh38, 1-based): chr16:50,711,245, A deleted; the last of 2 consecutive A bases (chr16:50,711,244-50,711,245); deleting either gives the same sequence. VCF-style (leftmost placement, unchanged base first): chr16-50711243-CA-C. GRCh37 (hg19) VCF-style: chr16-50745154-CA-C.
Other names: c.1253del, p.Lys418fs (NM_001293557.2); c.1334del, p.Lys445fs (NM_022162.3); short protein forms K418fs, K445fs.
Identifiers: ClinVar variation 2930880 (VCV002930880.3), dbSNP rs1198315856, ClinGen allele CA622654295.
Genomic context (GRCh38, chr16:50,711,243, plus strand): 5'-CAGCCGTCCGGCCGCTGTGTCGGCGTTCCTCAGGAAGTACATCCGCACCGAGTTCAACCT[CA>C]AGGGCTTCTCTGAACAGGGCATCGAGCTGTACCTGAGGAAGCGCCATCATGAGCCCGGGG-3'

ClinVar aggregate classification (germline): Uncertain significance (1 of 4 stars; one submission).

Conditions:
Regional enteritis. Also called: Enteritis, Granulomatous. Identifiers: MedGen C0678202, MeSH D003424.
Blau syndrome (BLAUS). Also called: ARTHROCUTANEOUVEAL GRANULOMATOSIS; GRANULOMATOSIS, FAMILIAL JUVENILE SYSTEMIC; GRANULOMATOSIS, FAMILIAL, BLAU TYPE; GRANULOMATOUS INFLAMMATORY ARTHRITIS, DERMATITIS, AND UVEITIS, FAMILIAL; JABS SYNDROME. Identifiers: Orphanet 90340, MedGen C5201146, MONDO:0008523, OMIM 186580.

Submission:

Labcorp Genetics (formerly Invitae), Labcorp
Classification: Uncertain significance for Regional enteritis; Blau syndrome. Last evaluated: 2025-05-09. Review status: criteria provided, single submitter. Criteria: Invitae Variant Classification Sherloc (09022015). Collection method: clinical testing. Allele origin: germline.
Comment: This sequence change creates a premature translational stop signal (p.Lys445Argfs*12) in the NOD2 gene. It is expected to result in an absent or disrupted protein product. However, the current clinical and genetic evidence is not sufficient to establish whether loss-of-function variants in NOD2 cause disease. This variant is present in population databases (no rsID available, gnomAD 0.004%). This variant has not been reported in the literature in individuals affected with NOD2-related conditions. ClinVar contains an entry for this variant (Variation ID: 2930880). In summary, the available evidence is currently insufficient to determine the role of this variant in disease. Therefore, it has been classified as a Variant of Uncertain Significance.